The following is an entry in ClinVar:

ClinVar aggregate classification (germline): Uncertain significance (1 of 4 stars; one submission).

Conditions:
Emery-Dreifuss muscular dystrophy (EDMD). Also called: Scapuloperoneal syndrome, X-linked (formerly); Humeroperoneal neuromuscular disease, (formerly). Identifiers: MedGen C0410189, MONDO:0016830, Orphanet 261.

Submission:

Labcorp Genetics (formerly Invitae), Labcorp
Classification: Uncertain significance for Emery-Dreifuss muscular dystrophy. Last evaluated: 2023-08-30. Review status: criteria provided, single submitter. Criteria: Invitae Variant Classification Sherloc (09022015). Collection method: clinical testing. Allele origin: unknown.
Comment: In summary, the available evidence is currently insufficient to determine the role of this variant in disease. Therefore, it has been classified as a Variant of Uncertain Significance. Experimental studies and prediction algorithms are not available or were not evaluated, and the functional significance of this variant is currently unknown. This variant has not been reported in the literature in individuals affected with SUN1-related conditions. This variant is a gross deletion of the genomic region encompassing exon(s) 1-5 of the SUN1 gene, which includes the initiator codon. This deletion extends beyond the assayed region for this gene and therefore may encompass additional genes. It is expected to result in an absent or disrupted protein product. However, the current clinical and genetic evidence is not sufficient to establish whether loss-of-function variants in SUN1 cause disease.

NC_000007.13:g.(?_769280)_(883177_?)del

Genes: DNAAF5 (dynein axonemal assembly factor 5; plus strand), SUN1 (Sad1 and UNC84 domain containing 1; plus strand). Cytogenetic location: 7p22.3.
Variant type: Deletion.
Identifiers: ClinVar variation 3245724 (VCV003245724.1).